The following is an entry in ClinVar:

ClinVar aggregate classification (germline): Pathogenic (1 of 4 stars; one submission).

Conditions:
Marfan Syndrome/Loeys-Dietz Syndrome/Familial Thoracic Aortic Aneurysms and Dissections. Identifiers: MedGen CN229799.

Submission:

Women's Health and Genetics/Laboratory Corporation of America, LabCorp
Classification: Pathogenic for Marfan Syndrome/Loeys-Dietz Syndrome/Familial Thoracic Aortic Aneurysms and Dissections. Last evaluated: 2026-04-02. Review status: criteria provided, single submitter. Criteria: LabCorp Variant Classification Summary - May 2015. Collection method: clinical testing. Allele origin: germline.
Comment: Variant summary: FBN1 c.7574dupA (p.Asn2525LysfsX3) results in a premature termination codon, predicted to cause a truncation of the encoded protein or absence of the protein due to nonsense mediated decay, which are commonly known mechanisms for disease. The variant was absent in 250104 control chromosomes. To our knowledge, no occurrence of c.7574dupA in individuals affected with FBN1-related conditions and no experimental evidence demonstrating its impact on protein function have been reported. No submitters have cited clinical-significance assessments for this variant to ClinVar. Based on the evidence outlined above, the variant was classified as pathogenic.

NM_000138.5(FBN1):c.7574dup (p.Asn2525fs)

Gene: FBN1 (fibrillin 1; minus strand). Cytogenetic location: 15q21.1.
Variant type: Duplication.
Coding change: c.7574dup on transcript NM_000138.5 (MANE Select); coding-DNA position 7574, one base duplicated (A; older notation c.7574dupA).
Protein change: p.Asn2525fs; shifts the reading frame from asparagine 2525.
Molecular consequence: frameshift variant.
Genome position (GRCh38, 1-based): chr15:48,421,683, T duplicated on the plus strand (A on the coding strand, the reverse complement: FBN1 is on the minus strand); the first of 2 consecutive T bases (chr15:48,421,683-48,421,684); duplicating either gives the same sequence. VCF-style (leftmost placement, unchanged base first): chr15-48421682-G-GT. GRCh37 (hg19) VCF-style: chr15-48713879-G-GT.
Other names: c.7574dupA (NM_000138.5); c.7574dup, p.Asn2525fs (NM_001406716.1); short protein forms N2525fs.
Identifiers: ClinVar variation 4848944 (VCV004848944.1).